The following is an entry in ClinVar:

ClinVar aggregate classification (germline): Likely benign (1 of 4 stars; one submission).

Allele frequency attached by ClinVar (database versions not stated): 1000 Genomes Project 30x 0.00031; 1000 Genomes Project 0.00040; TOPMed 0.00059; gnomAD 0.00064.

Submission:

GeneDx
Classification: Likely benign. Last evaluated: 2017-07-03. Review status: criteria provided, single submitter. Criteria: GeneDx Variant Classification (06012015). Collection method: clinical testing. Allele origin: germline. Affected: yes.
Comment: This variant is considered likely benign or benign based on one or more of the following criteria: it is a conservative change, it occurs at a poorly conserved position in the protein, it is predicted to be benign by multiple in silico algorithms, and/or has population frequency not consistent with disease.

NM_001384732.1(CPLANE1):c.-48+10C>A

Genes: CPLANE1-AS1 (CPLANE1 antisense RNA 1; plus strand), CPLANE1 (ciliogenesis and planar polarity effector complex subunit 1; minus strand), LOC129993816 (ATAC-STARR-seq lymphoblastoid silent region 15979; plus strand). Cytogenetic location: 5p13.2.
Variant type: single nucleotide variant.
Coding change: c.-48+10C>A on transcript NM_001384732.1 (MANE Select); 10 bases into the intron after 48 bases upstream of the start codon, C replaced by A.
Molecular consequence: intron variant.
Genome position (GRCh38, 1-based): chr5:37,249,235, G>T on the plus strand (C>A on the coding strand, the complement: CPLANE1 is on the minus strand). VCF-style: chr5-37249235-G-T. GRCh37 (hg19) VCF-style: chr5-37249337-G-T.
Other names: c.-48+10C>A (NM_023073.4).
Identifiers: ClinVar variation 510602 (VCV000510602.1), dbSNP rs535739458, ClinGen allele CA117071150.